The following is an entry in ClinVar:

ClinVar aggregate classification (germline): Likely benign (1 of 4 stars; one submission).

gnomAD v4.1: 34 of 1,610,192 alleles (0.0021%); highest among the groups gnomAD compares: Admixed American, 0.039%; no homozygotes.

Submission:

CeGaT Center for Human Genetics Tuebingen
Classification: Likely benign. Last evaluated: 2026-09-01. Review status: criteria provided, single submitter. Criteria: CeGaT Center For Human Genetics Tuebingen Variant Classification Criteria Version 2. Collection method: clinical testing. Allele origin: germline. Affected: yes. Observed: 2 variant alleles.
Comment: UGDH: BP4, BP7

NM_003359.4(UGDH):c.132G>A (p.Ala44=)

Gene: UGDH (UDP-glucose 6-dehydrogenase; minus strand). Cytogenetic location: 4p14.
Variant type: single nucleotide variant.
Coding change: c.132G>A on transcript NM_003359.4 (MANE Select); coding-DNA position 132, G replaced by A.
Protein change: p.Ala44=; no amino-acid change (alanine 44 retained).
Molecular consequence: synonymous variant. On other transcripts: intron variant (1).
Genome position (GRCh38, 1-based): chr4:39,521,381, C>T on the plus strand (G>A on the coding strand, the complement: UGDH is on the minus strand). VCF-style: chr4-39521381-C-T. GRCh37 (hg19) VCF-style: chr4-39523001-C-T.
Other names: c.132G>A, p.Ala44= (NM_001184700.2); c.-130+5902G>A (NM_001184701.2).
Identifiers: ClinVar variation 4821240 (VCV004821240.4).